The following is an entry in ClinVar:

NM_001127208.3(TET2):c.1003C>G (p.Pro335Ala)

Genes: TET2 (tet methylcytosine dioxygenase 2; plus strand), TET2-AS1 (TET2 antisense RNA 1; minus strand). Cytogenetic location: 4q24.
Variant type: single nucleotide variant.
Coding change: c.1003C>G on transcript NM_001127208.3 (MANE Select); coding-DNA position 1003, C replaced by G.
Protein change: p.Pro335Ala; replaces proline 335 with alanine.
Molecular consequence: missense variant.
Genome position (GRCh38, 1-based): chr4:105,234,945, C>G. VCF-style: chr4-105234945-C-G. GRCh37 (hg19) VCF-style: chr4-106156102-C-G.
Other names: c.1003C>G, p.Pro335Ala (NM_017628.4); short protein forms P335A.
Identifiers: ClinVar variation 3455327 (VCV003455327.1).

ClinVar aggregate classification (germline): Uncertain significance (1 of 4 stars; one submission).

gnomAD v4.1: 10 of 1,613,868 alleles (0.00062%); highest among the groups gnomAD compares: African/African-American, 0.0067%; no homozygotes.

Submission:

Ambry Genetics
Classification: Uncertain significance. Last evaluated: 2024-11-24. Review status: criteria provided, single submitter. Criteria: Ambry Variant Classification Scheme 2023. Collection method: clinical testing. Allele origin: germline.
Comment: The p.P335A variant (also known as c.1003C>G), located in coding exon 1 of the TET2 gene, results from a C to G substitution at nucleotide position 1003. The proline at codon 335 is replaced by alanine, an amino acid with highly similar properties. This amino acid position is conserved. In addition, this alteration is predicted to be tolerated by in silico analysis. Based on the available evidence, the clinical significance of this variant remains unclear.